The following is an entry in ClinVar:

ClinVar aggregate classification (germline): Uncertain significance (1 of 4 stars; one submission).

Allele frequency attached by ClinVar (database versions not stated): gnomAD exomes 0.00001; TOPMed 0.00001; ExAC 0.00001; gnomAD 0.00001.
gnomAD v4.1: 10 of 1,613,980 alleles (0.00062%); highest among the groups gnomAD compares: Admixed American, 0.005%; no homozygotes.

Submission:

Labcorp Genetics (formerly Invitae), Labcorp
Classification: Uncertain significance. Last evaluated: 2025-07-21. Review status: criteria provided, single submitter. Criteria: Invitae Variant Classification Sherloc (09022015). Collection method: clinical testing. Allele origin: germline.
Comment: This sequence change replaces aspartic acid, which is acidic and polar, with asparagine, which is neutral and polar, at codon 182 of the TNFRSF11B protein (p.Asp182Asn). This variant is present in population databases (rs753578962, gnomAD 0.006%). This variant has not been reported in the literature in individuals affected with TNFRSF11B-related conditions. ClinVar contains an entry for this variant (Variation ID: 2997790). Invitae Evidence Modeling of protein sequence and biophysical properties (such as structural, functional, and spatial information, amino acid conservation, physicochemical variation, residue mobility, and thermodynamic stability) indicates that this missense variant is not expected to disrupt TNFRSF11B protein function with a negative predictive value of 80%. In summary, the available evidence is currently insufficient to determine the role of this variant in disease. Therefore, it has been classified as a Variant of Uncertain Significance.

NM_002546.4(TNFRSF11B):c.544G>A (p.Asp182Asn)

Gene: TNFRSF11B (TNF receptor superfamily member 11b; minus strand). Cytogenetic location: 8q24.12.
Variant type: single nucleotide variant.
Coding change: c.544G>A on transcript NM_002546.4 (MANE Select); coding-DNA position 544, G replaced by A.
Protein change: p.Asp182Asn; replaces aspartic acid 182 with asparagine.
Molecular consequence: missense variant.
Genome position (GRCh38, 1-based): chr8:118,928,786, C>T on the plus strand (G>A on the coding strand, the complement: TNFRSF11B is on the minus strand). VCF-style: chr8-118928786-C-T. GRCh37 (hg19) VCF-style: chr8-119941025-C-T.
Other names: short protein forms D182N.
Identifiers: ClinVar variation 2997790 (VCV002997790.3), dbSNP rs753578962, ClinGen allele CA4854891.